The following is an entry in ClinVar:

ClinVar aggregate classification (germline): Uncertain significance (1 of 4 stars; one submission).

Conditions:
Nephronophthisis-like nephropathy 1 (NPHPL1). Identifiers: Orphanet 655, MedGen C3150419, MONDO:0013163, OMIM 613159.

Submission:

Labcorp Genetics (formerly Invitae), Labcorp
Classification: Uncertain significance for Nephronophthisis-like nephropathy 1. Last evaluated: 2022-06-28. Review status: criteria provided, single submitter. Criteria: Invitae Variant Classification Sherloc (09022015). Collection method: clinical testing. Allele origin: germline.
Comment: In summary, the available evidence is currently insufficient to determine the role of this variant in disease. Therefore, it has been classified as a Variant of Uncertain Significance. Algorithms developed to predict the effect of missense changes on protein structure and function (SIFT, PolyPhen-2, Align-GVGD) all suggest that this variant is likely to be tolerated. This variant has not been reported in the literature in individuals affected with XPNPEP3-related conditions. This variant is not present in population databases (gnomAD no frequency). This sequence change replaces arginine, which is basic and polar, with leucine, which is neutral and non-polar, at codon 242 of the XPNPEP3 protein (p.Arg242Leu).

NM_022098.4(XPNPEP3):c.725G>T (p.Arg242Leu)

Gene: XPNPEP3 (X-prolyl aminopeptidase 3; plus strand). Cytogenetic location: 22q13.2.
Variant type: single nucleotide variant.
Coding change: c.725G>T on transcript NM_022098.4 (MANE Select); coding-DNA position 725, G replaced by T.
Protein change: p.Arg242Leu; replaces arginine 242 with leucine.
Molecular consequence: missense variant.
Genome position (GRCh38, 1-based): chr22:40,886,448, G>T. VCF-style: chr22-40886448-G-T. GRCh37 (hg19) VCF-style: chr22-41282452-G-T.
Other names: short protein forms R242L.
Identifiers: ClinVar variation 2010717 (VCV002010717.4), dbSNP rs752721668, ClinGen allele CA411678235.